The following is an entry in ClinVar:

NM_000722.4(CACNA2D1):c.611T>C (p.Leu204Ser)

Gene: CACNA2D1 (calcium voltage-gated channel auxiliary subunit alpha2delta 1; minus strand). Cytogenetic location: 7q21.11.
Variant type: single nucleotide variant.
Coding change: c.611T>C on transcript NM_000722.4 (MANE Select); coding-DNA position 611, T replaced by C.
Protein change: p.Leu204Ser; replaces leucine 204 with serine.
Molecular consequence: missense variant.
Genome position (GRCh38, 1-based): chr7:82,084,816, A>G on the plus strand (T>C on the coding strand, the complement: CACNA2D1 is on the minus strand). VCF-style: chr7-82084816-A-G. GRCh37 (hg19) VCF-style: chr7-81714132-A-G.
Other names: c.611T>C, p.Leu204Ser (NM_001302890.2, NM_001366867.1); short protein forms L204S.
Identifiers: ClinVar variation 2657642 (VCV002657642.24), dbSNP rs1554398087, ClinGen allele CA368016737.

ClinVar aggregate classification (germline): Uncertain significance (1 of 4 stars; one submission).

Allele frequency attached by ClinVar (database versions not stated): gnomAD exomes below 0.00001.
gnomAD v4.1: 1 of 1,614,096 alleles (0.000062%); highest among the groups gnomAD compares: Non-Finnish European, 0.000085%; no homozygotes.

Submission:

CeGaT Center for Human Genetics Tuebingen
Classification: Uncertain significance. Last evaluated: 2022-06-01. Review status: criteria provided, single submitter. Criteria: CeGaT Center For Human Genetics Tuebingen Variant Classification Criteria Version 2. Collection method: clinical testing. Allele origin: germline. Affected: yes. Observed: 1 variant allele.
Comment: CACNA2D1: PM2, PP2